The following is an entry in ClinVar:

ClinVar aggregate classification (germline): Uncertain significance (1 of 4 stars; one submission).

Conditions:
Cardiovascular phenotype. Identifiers: MedGen CN230736.

Allele frequency attached by ClinVar (database versions not stated): TOPMed 0.00001.

Submission:

Ambry Genetics
Classification: Uncertain significance for Cardiovascular phenotype. Last evaluated: 2023-06-28. Review status: criteria provided, single submitter. Criteria: Ambry Variant Classification Scheme 2023. Collection method: clinical testing. Allele origin: germline.
Comment: The p.A67P variant (also known as c.199G>C), located in coding exon 2 of the LMF1 gene, results from a G to C substitution at nucleotide position 199. The alanine at codon 67 is replaced by proline, an amino acid with highly similar properties. This amino acid position is conserved. In addition, this alteration is predicted to be deleterious by in silico analysis. Since supporting evidence is limited at this time, the clinical significance of this alteration remains unclear.

NM_022773.4(LMF1):c.199G>C (p.Ala67Pro)

Gene: LMF1 (lipase maturation factor 1; minus strand). Cytogenetic location: 16p13.3.
Variant type: single nucleotide variant.
Coding change: c.199G>C on transcript NM_022773.4 (MANE Select); coding-DNA position 199, G replaced by C.
Protein change: p.Ala67Pro; replaces alanine 67 with proline.
Molecular consequence: missense variant. On other transcripts: 5 prime UTR variant (4), non-coding transcript variant (1).
Genome position (GRCh38, 1-based): chr16:954,661, C>G on the plus strand (G>C on the coding strand, the complement: LMF1 is on the minus strand). VCF-style: chr16-954661-C-G. GRCh37 (hg19) VCF-style: chr16-1004661-C-G.
Other names: c.-605G>C (NM_001352017.2); c.-356G>C (NM_001352018.2); c.-129G>C (NM_001352019.2); c.199G>C, p.Ala67Pro (NM_001352020.1); c.-507G>C (NM_001352021.2); short protein forms A67P.
Identifiers: ClinVar variation 2586479 (VCV002586479.2), dbSNP rs779735217, ClinGen allele CA276539707.